The following is an entry in ClinVar:

ClinVar aggregate classification (germline): Uncertain significance. Review status: criteria provided, multiple submitters, no conflicts (2 of 4 stars). 2 submissions from 2 submitters: Uncertain significance (2). Last evaluated 2025-03-22.

Allele frequency attached by ClinVar (database versions not stated): TOPMed below 0.00001.
gnomAD v4.1: 1 of 1,591,208 alleles (0.000063%); highest among the groups gnomAD compares: Admixed American, 0.0017%; no homozygotes.

Submissions (2):

Women's Health and Genetics/Laboratory Corporation of America, LabCorp
Classification: Uncertain significance. Last evaluated: 2025-03-22. Review status: criteria provided, single submitter. Criteria: LabCorp Variant Classification Summary - May 2015. Collection method: clinical testing. Allele origin: germline.

Labcorp Genetics (formerly Invitae), Labcorp
Classification: Uncertain significance. Last evaluated: 2022-07-19. Review status: criteria provided, single submitter. Criteria: Invitae Variant Classification Sherloc (09022015). Collection method: clinical testing. Allele origin: germline.
Comment: In summary, the available evidence is currently insufficient to determine the role of this variant in disease. Therefore, it has been classified as a Variant of Uncertain Significance. Variants that disrupt the consensus splice site are a relatively common cause of aberrant splicing (PMID: 17576681, 9536098). Algorithms developed to predict the effect of sequence changes on RNA splicing suggest that this variant may disrupt the consensus splice site. This variant has not been reported in the literature in individuals affected with ERCC2-related conditions. The frequency data for this variant in the population databases is considered unreliable, as metrics indicate poor data quality at this position in the gnomAD database. This sequence change falls in intron 1 of the ERCC2 gene. It does not directly change the encoded amino acid sequence of the ERCC2 protein. It affects a nucleotide within the consensus splice site.

Literature cited by the submitters: PubMed 17576681 (cited by Labcorp Genetics (formerly Invitae), Labcorp); PubMed 9536098 (cited by Labcorp Genetics (formerly Invitae), Labcorp).

NM_000400.4(ERCC2):c.5+5G>A

Gene: ERCC2 (ERCC excision repair 2, TFIIH core complex helicase subunit; minus strand). Cytogenetic location: 19q13.32.
Variant type: single nucleotide variant.
Coding change: c.5+5G>A on transcript NM_000400.4 (MANE Select); 5 bases into the intron after coding-DNA position 5, G replaced by A.
Molecular consequence: intron variant. On other transcripts: 5 prime UTR variant (1).
Genome position (GRCh38, 1-based): chr19:45,370,531, C>T on the plus strand (G>A on the coding strand, the complement: ERCC2 is on the minus strand). VCF-style: chr19-45370531-C-T. GRCh37 (hg19) VCF-style: chr19-45873789-C-T.
Other names: c.-366G>A (NM_001130867.2).
Identifiers: ClinVar variation 2418787 (VCV002418787.7), dbSNP rs1252767940, ClinGen allele CA633349490.